The following is an entry in ClinVar:

ClinVar aggregate classification (germline): Uncertain significance (1 of 4 stars; one submission).

Allele frequency attached by ClinVar (database versions not stated): gnomAD exomes below 0.00001; ExAC 0.00001; gnomAD 0.00001.

Submission:

Ambry Genetics
Classification: Uncertain significance. Last evaluated: 2024-02-27. Review status: criteria provided, single submitter. Criteria: Ambry Variant Classification Scheme 2023. Collection method: clinical testing. Allele origin: germline.
Comment: The p.G190S variant (also known as c.568G>A), located in coding exon 1 of the EGLN2 gene, results from a G to A substitution at nucleotide position 568. The glycine at codon 190 is replaced by serine, an amino acid with similar properties. This amino acid position is conserved. In addition, the in silico prediction for this alteration is inconclusive. Since supporting evidence is limited at this time, the clinical significance of this alteration remains unclear.

NM_080732.4(EGLN2):c.568G>A (p.Gly190Ser)

Genes: RAB4B-EGLN2 (RAB4B-EGLN2 readthrough (NMD candidate); plus strand), EGLN2 (egl-9 family hypoxia inducible factor 2; plus strand). Cytogenetic location: 19q13.2.
Variant type: single nucleotide variant.
Coding change: c.568G>A on transcript NM_080732.4 (MANE Select); coding-DNA position 568, G replaced by A.
Protein change: p.Gly190Ser; replaces glycine 190 with serine.
Molecular consequence: missense variant. On other transcripts: non-coding transcript variant (1).
Genome position (GRCh38, 1-based): chr19:40,801,140, G>A. VCF-style: chr19-40801140-G-A. GRCh37 (hg19) VCF-style: chr19-41307045-G-A.
Other names: c.568G>A, p.Gly190Ser (NM_053046.4); short protein forms G190S.
Identifiers: ClinVar variation 1749070 (VCV001749070.2), dbSNP rs747037763, ClinGen allele CA9452248.
Genomic context (GRCh38, chr19:40,801,140, plus strand): 5'-CTGCCCTCTGCGCCCGAGCGCCTGGCCCTGGACTATATCGTGCCCTGCATGCGGTACTAC[G>A]GCATCTGCGTCAAGGACAGCTTCCTGGGGGCAGCACTGGGCGGTCGCGTGCTGGCCGAGG-3'
Protein context (NP_542770.2, residues 180-200): DYIVPCMRYY[Gly190Ser]ICVKDSFLGA